The following is an entry in ClinVar:

ClinVar aggregate classification (germline): Benign/Likely benign. Review status: criteria provided, multiple submitters, no conflicts (2 of 4 stars). 3 submissions from 3 submitters: Benign (1); Likely benign (1). 1 of the submissions does not count toward it. Last evaluated 2022-05-01.

Conditions:
PJA1-related disorder. Also called: PJA1-related condition.

Allele frequency attached by ClinVar (database versions not stated): gnomAD exomes 0.00009 and 0.00028; ExAC 0.00048; 1000 Genomes Project 0.00053; 1000 Genomes Project 30x 0.00062; TOPMed 0.00092; gnomAD 0.00105 and 0.00111; ESP Exome Variant Server 0.00133.
gnomAD v4.1: 220 of 1,208,715 alleles (0.018%); highest among the groups gnomAD compares: African/African-American, 0.36%; no homozygotes.

Submissions (3):

CeGaT Center for Human Genetics Tuebingen
Classification: Likely benign. Last evaluated: 2022-05-01. Review status: criteria provided, single submitter. Criteria: CeGaT Center For Human Genetics Tuebingen Variant Classification Criteria Version 2. Collection method: clinical testing. Allele origin: germline. Affected: yes. Observed: 1 variant allele.
Comment: PJA1: BP4, BS2

Labcorp Genetics (formerly Invitae), Labcorp
Classification: Benign. Last evaluated: 2018-05-14. Review status: criteria provided, single submitter. Criteria: Invitae Variant Classification Sherloc (09022015). Collection method: clinical testing. Allele origin: germline.

PreventionGenetics, part of Exact Sciences
Classification: Likely benign for PJA1-related condition. Last evaluated: 2023-06-06. Review status: no assertion criteria provided. Collection method: clinical testing. Allele origin: germline. Not counted in ClinVar's aggregate classification.
Comment: This variant is classified as likely benign based on ACMG/AMP sequence variant interpretation guidelines (Richards et al. 2015 PMID: 25741868, with internal and published modifications).

NM_001032396.4(PJA1):c.251T>C (p.Val84Ala)

Gene: PJA1 (praja ring finger ubiquitin ligase 1; minus strand). Cytogenetic location: Xq13.1.
Variant type: single nucleotide variant.
Coding change: c.251T>C on transcript NM_001032396.4 (MANE Select); coding-DNA position 251, T replaced by C.
Protein change: p.Val84Ala; replaces valine 84 with alanine.
Molecular consequence: missense variant. On other transcripts: intron variant (1).
Genome position (GRCh38, 1-based): chrX:69,162,823, A>G on the plus strand (T>C on the coding strand, the complement: PJA1 is on the minus strand). VCF-style: chrX-69162823-A-G. GRCh37 (hg19) VCF-style: chrX-68382666-A-G.
Other names: c.416T>C, p.Val139Ala (NM_001382775.1, NM_145119.4); c.251T>C, p.Val84Ala (NM_001382776.1); c.293+123T>C (NM_022368.5); short protein forms V84A, V139A.
Identifiers: ClinVar variation 721893 (VCV000721893.28), dbSNP rs144593024, ClinGen allele CA10438485.
Genomic context (GRCh38, chrX:69,162,823, plus strand): 5'-CTTGCCCCTTTCTCTGGGTCATACAGCTTATCATCTTTAAACTTGCCAGTTTTCCCTCTC[A>G]CTGGCGGTCGCTCAACAGGCCCAGCCCCCTCCTCCTCACTATCATCTGCCCCATAAGAGT-3'
Protein context (NP_001027568.1, residues 74-94): EGAGPVERPP[Val84Ala]RGKTGKFKDD